The following is an entry in ClinVar:

NM_003738.5(PTCH2):c.1614C>T (p.Thr538=)

Gene: PTCH2 (patched 2; minus strand). Cytogenetic location: 1p34.1.
Variant type: single nucleotide variant.
Coding change: c.1614C>T on transcript NM_003738.5 (MANE Select); coding-DNA position 1614, C replaced by T.
Protein change: p.Thr538=; no amino-acid change (threonine 538 retained).
Molecular consequence: synonymous variant.
Genome position (GRCh38, 1-based): chr1:44,828,391, G>A on the plus strand (C>T on the coding strand, the complement: PTCH2 is on the minus strand). VCF-style: chr1-44828391-G-A. GRCh37 (hg19) VCF-style: chr1-45294063-G-A.
Other names: c.1614C>T, p.Thr538= (NM_001166292.2).
Identifiers: ClinVar variation 2638781 (VCV002638781.24), dbSNP rs1478954517, ClinGen allele CA417562834.

ClinVar aggregate classification (germline): Likely benign (1 of 4 stars; one submission).

Allele frequency attached by ClinVar (database versions not stated): TOPMed below 0.00001.

Submission:

CeGaT Center for Human Genetics Tuebingen
Classification: Likely benign. Last evaluated: 2022-04-01. Review status: criteria provided, single submitter. Criteria: CeGaT Center For Human Genetics Tuebingen Variant Classification Criteria Version 2. Collection method: clinical testing. Allele origin: germline. Affected: yes. Observed: 1 variant allele.
Comment: PTCH2: PM2:Supporting, BP4, BP7